The following is an entry in ClinVar:

NM_206933.4(USH2A):c.11231+1G>T

Gene: USH2A (usherin; minus strand). Cytogenetic location: 1q41.
Variant type: single nucleotide variant.
Coding change: c.11231+1G>T on transcript NM_206933.4 (MANE Select); the canonical splice donor site of the intron after coding-DNA position 11231, G replaced by T.
Molecular consequence: splice donor variant.
Genome position (GRCh38, 1-based): chr1:215,759,659, C>A on the plus strand (G>T on the coding strand, the complement: USH2A is on the minus strand). VCF-style: chr1-215759659-C-A. GRCh37 (hg19) VCF-style: chr1-215933001-C-A.
Identifiers: ClinVar variation 48369 (VCV000048369.11), dbSNP rs111033382, ClinGen allele CA262067.

ClinVar aggregate classification (germline): Likely pathogenic. Review status: criteria provided, multiple submitters, no conflicts (2 of 4 stars). 3 submissions from 3 submitters: Likely pathogenic (3). Last evaluated 2023-04-11.

Conditions:
Rare genetic deafness. Identifiers: Orphanet 96210, MedGen C5680250.
Usher syndrome type 2A. Also called: RETINAL DISEASE IN USHER SYNDROME TYPE IIA, MODIFIER OF; USHER SYNDROME, TYPE IIA. Identifiers: Orphanet 231178, Orphanet 886, MedGen C1848634, MONDO:0010169, OMIM 276901.

Allele frequency attached by ClinVar (database versions not stated): gnomAD exomes below 0.00001.
gnomAD v4.1: 1 of 1,613,842 alleles (0.000062%); highest among the groups gnomAD compares: Non-Finnish European, 0.000085%; no homozygotes.

Submissions (3):

Genome-Nilou Lab
Classification: Likely pathogenic for Usher syndrome type 2A. Last evaluated: 2023-04-11. Review status: criteria provided, single submitter. Criteria: ACMG Guidelines, 2015. Collection method: clinical testing. Allele origin: germline. Affected: no.

Labcorp Genetics (formerly Invitae), Labcorp
Classification: Likely pathogenic. Last evaluated: 2022-04-01. Review status: criteria provided, single submitter. Criteria: Invitae Variant Classification Sherloc (09022015). Collection method: clinical testing. Allele origin: germline.
Comment: This sequence change affects a donor splice site in intron 57 of the USH2A gene. It is expected to disrupt RNA splicing. Variants that disrupt the donor or acceptor splice site typically lead to a loss of protein function (PMID: 16199547), and loss-of-function variants in USH2A are known to be pathogenic (PMID: 10729113, 10909849, 20507924, 25649381). In summary, the currently available evidence indicates that the variant is pathogenic, but additional data are needed to prove that conclusively. Therefore, this variant has been classified as Likely Pathogenic. Algorithms developed to predict the effect of sequence changes on RNA splicing suggest that this variant may disrupt the consensus splice site. ClinVar contains an entry for this variant (Variation ID: 48369). Disruption of this splice site has been observed in individual(s) with retinitis pigmentosa (Invitae). This variant is not present in population databases (gnomAD no frequency).

Laboratory for Molecular Medicine, Mass General Brigham Personalized Medicine
Classification: Likely pathogenic for Rare genetic deafness. Last evaluated: 2008-03-01. Review status: criteria provided, single submitter. Criteria: LMM Criteria. Collection method: clinical testing. Allele origin: germline. Observed: 1 variant allele.

Literature cited by the submitters: PubMed 16199547 (cited by Labcorp Genetics (formerly Invitae), Labcorp); PubMed 10729113 (cited by Labcorp Genetics (formerly Invitae), Labcorp); PubMed 10909849 (cited by Labcorp Genetics (formerly Invitae), Labcorp); PubMed 20507924 (cited by Labcorp Genetics (formerly Invitae), Labcorp); PubMed 25649381 (cited by Labcorp Genetics (formerly Invitae), Labcorp).